The following is an entry in ClinVar:

ClinVar aggregate classification (germline): Likely pathogenic (1 of 4 stars; one submission).

Conditions:
Fanconi anemia (FA). Also called: Fanconi's anemia. Identifiers: Orphanet 84, MedGen C0015625, MeSH D005199, MONDO:0019391.

Allele frequency attached by ClinVar (database versions not stated): gnomAD exomes below 0.00001.
gnomAD v4.1: 1 of 1,613,474 alleles (0.000062%); highest among the groups gnomAD compares: Non-Finnish European, 0.000085%; no homozygotes.

Submission:

Labcorp Genetics (formerly Invitae), Labcorp
Classification: Likely pathogenic for Fanconi anemia. Last evaluated: 2021-09-14. Review status: criteria provided, single submitter. Criteria: Invitae Variant Classification Sherloc (09022015). Collection method: clinical testing. Allele origin: germline.
Comment: In summary, the currently available evidence indicates that the variant is pathogenic, but additional data are needed to prove that conclusively. Therefore, this variant has been classified as Likely Pathogenic. Algorithms developed to predict the effect of sequence changes on RNA splicing suggest that this variant may disrupt the consensus splice site. This sequence change affects an acceptor splice site in intron 13 of the FANCC gene. It is expected to disrupt RNA splicing. Variants that disrupt the donor or acceptor splice site typically lead to a loss of protein function (PMID: 16199547), and loss-of-function variants in FANCC are known to be pathogenic (PMID: 17924555). This variant is not present in population databases (ExAC no frequency). This variant has not been reported in the literature in individuals affected with FANCC-related conditions.

Literature cited by the submitters: PubMed 16199547; PubMed 17924555.

NM_000136.3(FANCC):c.1330-2A>C

Genes: AOPEP (aminopeptidase O (putative); plus strand), FANCC (FA complementation group C; minus strand). Cytogenetic location: 9q22.32.
Variant type: single nucleotide variant.
Coding change: c.1330-2A>C on transcript NM_000136.3 (MANE Select); the canonical splice acceptor site of the intron before coding-DNA position 1330, A replaced by C.
Molecular consequence: splice acceptor variant.
Genome position (GRCh38, 1-based): chr9:95,107,271, T>G on the plus strand (A>C on the coding strand, the complement: FANCC is on the minus strand). VCF-style: chr9-95107271-T-G. GRCh37 (hg19) VCF-style: chr9-97869553-T-G.
Other names: c.1330-2A>C (NM_001243743.2).
Identifiers: ClinVar variation 1525274 (VCV001525274.6), dbSNP rs2134456820, ClinGen allele CA374106302.